The following is an entry in ClinVar:

ClinVar aggregate classification (germline): Uncertain significance (1 of 4 stars; one submission).

Allele frequency attached by ClinVar (database versions not stated): gnomAD exomes below 0.00001.
gnomAD v4.1: 1 of 1,614,174 alleles (0.000062%); highest among the groups gnomAD compares: Non-Finnish European, 0.000085%; no homozygotes.

Submission:

Ambry Genetics
Classification: Uncertain significance. Last evaluated: 2023-06-08. Review status: criteria provided, single submitter. Criteria: Ambry Variant Classification Scheme 2023. Collection method: clinical testing. Allele origin: germline.
Comment: The p.T208R variant (also known as c.623C>G), located in coding exon 3 of the ALPK2 gene, results from a C to G substitution at nucleotide position 623. The threonine at codon 208 is replaced by arginine, an amino acid with similar properties. This amino acid position is conserved. In addition, this alteration is predicted to be tolerated by in silico analysis. Since supporting evidence is limited at this time, the clinical significance of this alteration remains unclear.

NM_052947.4(ALPK2):c.623C>G (p.Thr208Arg)

Gene: ALPK2 (alpha kinase 2; minus strand). Cytogenetic location: 18q21.31.
Variant type: single nucleotide variant.
Coding change: c.623C>G on transcript NM_052947.4 (MANE Select); coding-DNA position 623, C replaced by G.
Protein change: p.Thr208Arg; replaces threonine 208 with arginine.
Molecular consequence: missense variant.
Genome position (GRCh38, 1-based): chr18:58,580,153, G>C on the plus strand (C>G on the coding strand, the complement: ALPK2 is on the minus strand). VCF-style: chr18-58580153-G-C. GRCh37 (hg19) VCF-style: chr18-56247385-G-C.
Other names: short protein forms T208R.
Identifiers: ClinVar variation 2564118 (VCV002564118.2), dbSNP rs2518900026, ClinGen allele CA402567577.